The following is an entry in ClinVar:

NM_006531.5(IFT88):c.2230A>C (p.Ser744Arg)

Gene: IFT88 (intraflagellar transport 88; plus strand). Cytogenetic location: 13q12.11.
Variant type: single nucleotide variant.
Coding change: c.2230A>C on transcript NM_006531.5 (MANE Select); coding-DNA position 2230, A replaced by C.
Protein change: p.Ser744Arg; replaces serine 744 with arginine.
Molecular consequence: missense variant. On other transcripts: non-coding transcript variant (5).
Genome position (GRCh38, 1-based): chr13:20,671,027, A>C. VCF-style: chr13-20671027-A-C. GRCh37 (hg19) VCF-style: chr13-21245166-A-C.
Other names: c.2173A>C, p.Ser725Arg (NM_001318491.2); c.2257A>C, p.Ser753Arg (NM_001318493.2, NM_001353565.2, NM_001353566.2 and 2 more transcripts); c.2230A>C, p.Ser744Arg (NM_001353568.2, NM_001353572.2); c.2155A>C, p.Ser719Arg (NM_001353569.2, NM_001353570.2, NM_001353576.2 and 1 more transcripts); c.2128A>C, p.Ser710Arg (NM_001353571.2, NM_001353578.2); c.2086A>C, p.Ser696Arg (NM_001353573.2); c.2071A>C, p.Ser691Arg (NM_001353574.2); c.2297A>C, p.Lys766Thr (NM_001353575.2); and 1 more; short protein forms S691R, S719R, S725R, K766T, S533R, S710R, S753R, S696R.
Identifiers: ClinVar variation 2785031 (VCV002785031.3), dbSNP rs2055757600, ClinGen allele CA387477167.

ClinVar aggregate classification (germline): Uncertain significance (1 of 4 stars; one submission).

Allele frequency attached by ClinVar (database versions not stated): TOPMed below 0.00001.

Submission:

Labcorp Genetics (formerly Invitae), Labcorp
Classification: Uncertain significance. Last evaluated: 2022-10-28. Review status: criteria provided, single submitter. Criteria: Invitae Variant Classification Sherloc (09022015). Collection method: clinical testing. Allele origin: germline.
Comment: In summary, the available evidence is currently insufficient to determine the role of this variant in disease. Therefore, it has been classified as a Variant of Uncertain Significance. Algorithms developed to predict the effect of missense changes on protein structure and function are either unavailable or do not agree on the potential impact of this missense change (SIFT: "Not Available"; PolyPhen-2: "Benign"; Align-GVGD: "Not Available"). This variant has not been reported in the literature in individuals affected with IFT88-related conditions. This variant is not present in population databases (gnomAD no frequency). This sequence change replaces serine, which is neutral and polar, with arginine, which is basic and polar, at codon 753 of the IFT88 protein (p.Ser753Arg).